The following is an entry in ClinVar:

ClinVar aggregate classification (germline): Uncertain significance (1 of 4 stars; one submission).

Conditions:
Alzheimer disease 3 (AD3). Also called: ALZHEIMER DISEASE, FAMILIAL, 3. Identifiers: Orphanet 1020, MedGen C1843013, MONDO:0011913, OMIM 607822.
Pick disease. Also called: Pick Disease of the Brain; PICK DISEASE OF BRAIN; DEMENTIA WITH LOBAR ATROPHY AND NEURONAL CYTOPLASMIC INCLUSIONS; LOBAR ATROPHY OF BRAIN; Pick's disease. Identifiers: Orphanet 282, MedGen C0236642, MONDO:0008243, OMIM 172700.
Acne inversa, familial, 3 (ACNINV3). Identifiers: MedGen C3151038, MONDO:0013398, OMIM 613737.
Frontotemporal dementia (FTD1). Also called: Frontotemporal lobe dementia (FLDEM); FRONTOTEMPORAL LOBAR DEGENERATION WITH TAU INCLUSIONS; FTLD WITH TAU INCLUSIONS; FRONTOTEMPORAL DEMENTIA WITH PARKINSONISM; FRONTOTEMPORAL LOBE DEMENTIA; MULTIPLE SYSTEM TAUOPATHY WITH PRESENILE DEMENTIA. Identifiers: Orphanet 282, MedGen C0338451, MONDO:0017276, OMIM 600274, HP:0002145.

Submission:

Labcorp Genetics (formerly Invitae), Labcorp
Classification: Uncertain significance for Alzheimer disease 3; Pick disease; Acne inversa, familial, 3; Frontotemporal dementia. Last evaluated: 2023-08-23. Review status: criteria provided, single submitter. Criteria: Invitae Variant Classification Sherloc (09022015). Collection method: clinical testing. Allele origin: germline.
Comment: This variant has not been reported in the literature in individuals affected with PSEN1-related conditions. Advanced modeling of protein sequence and biophysical properties (such as structural, functional, and spatial information, amino acid conservation, physicochemical variation, residue mobility, and thermodynamic stability) performed at Invitae indicates that this missense variant is not expected to disrupt PSEN1 protein function. In summary, the available evidence is currently insufficient to determine the role of this variant in disease. Therefore, it has been classified as a Variant of Uncertain Significance. This variant is not present in population databases (gnomAD no frequency). This sequence change replaces phenylalanine, which is neutral and non-polar, with leucine, which is neutral and non-polar, at codon 86 of the PSEN1 protein (p.Phe86Leu).

NM_000021.4(PSEN1):c.256T>C (p.Phe86Leu)

Gene: PSEN1 (presenilin 1; plus strand). Cytogenetic location: 14q24.2.
Variant type: single nucleotide variant.
Coding change: c.256T>C on transcript NM_000021.4 (MANE Select); coding-DNA position 256, T replaced by C.
Protein change: p.Phe86Leu; replaces phenylalanine 86 with leucine.
Molecular consequence: missense variant.
Genome position (GRCh38, 1-based): chr14:73,170,965, T>C. VCF-style: chr14-73170965-T-C. GRCh37 (hg19) VCF-style: chr14-73637673-T-C.
Other names: c.244T>C, p.Phe82Leu (NM_007318.3); short protein forms F82L, F86L.
Identifiers: ClinVar variation 2951218 (VCV002951218.3), dbSNP rs2503063150, ClinGen allele CA390303259.